The following is an entry in ClinVar:

ClinVar aggregate classification (germline): Pathogenic/Likely pathogenic. Review status: criteria provided, multiple submitters, no conflicts (2 of 4 stars). 2 submissions from 2 submitters: Pathogenic (1); Likely pathogenic (1). Last evaluated 2025-10-10.

Conditions:
Hereditary cancer-predisposing syndrome. Also called: Neoplastic Syndromes, Hereditary; Tumor predisposition; Hereditary Cancer Syndrome; Hereditary neoplastic syndrome. Identifiers: Orphanet 140162, MedGen C0027672, MeSH D009386, MONDO:0015356.
Cardiovascular phenotype. Identifiers: MedGen CN230736.
Neurofibromatosis, type 1 (NF1). Also called: VON RECKLINGHAUSEN DISEASE; NEUROFIBROMATOSIS, TYPE I, SOMATIC; Peripheral type neurofibromatosis; Neurofibromatosis, type I. Identifiers: Orphanet 636, MedGen C0027831, MONDO:0018975, OMIM 162200. Disease mechanism: loss of function.

Submissions (2):

Ambry Genetics
Classification: Likely pathogenic for Cardiovascular phenotype; Hereditary cancer-predisposing syndrome. Last evaluated: 2025-10-10. Review status: criteria provided, single submitter. Criteria: Ambry Variant Classification Scheme 2023. Collection method: clinical testing. Allele origin: germline.
Comment: The c.3315-1G>C intronic variant results from a G to C substitution one nucleotide upstream from coding exon 26 of the NF1 gene. This nucleotide position is highly conserved in available vertebrate species. In silico splice site analysis predicts that this alteration will weaken the native splice acceptor site; however, direct evidence is insufficient at this time (Ambry internal data). This variant is considered to be rare based on population cohorts in the Genome Aggregation Database (gnomAD). Alterations that disrupt the canonical splice site are expected to cause aberrant splicing, resulting in an abnormal protein or a transcript that is subject to nonsense-mediated mRNA decay. As such, this alteration is classified as likely pathogenic.

Labcorp Genetics (formerly Invitae), Labcorp
Classification: Pathogenic for Neurofibromatosis, type 1. Last evaluated: 2021-07-17. Review status: criteria provided, single submitter. Criteria: Invitae Variant Classification Sherloc (09022015). Collection method: clinical testing. Allele origin: germline.
Comment: This sequence change affects an acceptor splice site in intron 25 of the NF1 gene. It is expected to disrupt RNA splicing and likely results in an absent or disrupted protein product. This variant is not present in population databases (ExAC no frequency). This variant has not been reported in the literature in individuals with NF1-related disease. Experimental studies have shown that a different change at the same nucleotide (c.3315-1G>T) results in skipping of exon 26 and a frameshift (p.Tyr1106Leufs*28) that is predicted to lead to an absent or disrupted protein product (PMID: 23913538). Donor and acceptor splice site variants typically lead to a loss of protein function (PMID: 16199547), and loss-of-function variants in NF1 are known to be pathogenic (PMID: 10712197, 23913538). For these reasons, this variant has been classified as Pathogenic.

Literature cited by the submitters: PubMed 23913538 (cited by Labcorp Genetics (formerly Invitae), Labcorp); PubMed 16199547 (cited by Labcorp Genetics (formerly Invitae), Labcorp); PubMed 10712197 (cited by Labcorp Genetics (formerly Invitae), Labcorp).

NM_001042492.3(NF1):c.3315-1G>C

Gene: NF1 (neurofibromin 1; plus strand). Cytogenetic location: 17q11.2.
Variant type: single nucleotide variant.
Coding change: c.3315-1G>C on transcript NM_001042492.3 (MANE Select); the canonical splice acceptor site of the intron before coding-DNA position 3315, G replaced by C.
Molecular consequence: splice acceptor variant.
Genome position (GRCh38, 1-based): chr17:31,232,699, G>C. VCF-style: chr17-31232699-G-C. GRCh37 (hg19) VCF-style: chr17-29559717-G-C.
Other names: c.3315-1G>C (NM_000267.4).
Identifiers: ClinVar variation 565393 (VCV000565393.7), dbSNP rs1567850984, ClinGen allele CA398988956.